The following is an entry in ClinVar:

NM_000384.3(APOB):c.8739_8740del (p.Leu2914fs)

Gene: APOB (apolipoprotein B; minus strand). Cytogenetic location: 2p24.1.
Variant type: Deletion.
Coding change: c.8739_8740del on transcript NM_000384.3 (MANE Select); coding-DNA positions 8739 to 8740, 2 bases deleted (GT; older notation c.8739_8740delGT).
Protein change: p.Leu2914fs; shifts the reading frame from leucine 2914.
Molecular consequence: frameshift variant.
Genome position (GRCh38, 1-based): chr2:21,008,128-21,008,129, AC deleted on the plus strand (GT on the coding strand, the reverse complement: APOB is on the minus strand); deleting any 2 consecutive bases within chr2:21,008,128-21,008,130 gives the same sequence; the c. name uses the placement nearest the transcript's 3' end. VCF-style (leftmost placement, unchanged base first): chr2-21008127-AAC-A. GRCh37 (hg19) VCF-style: chr2-21230999-AAC-A.
Other names: short protein forms L2914fs.
Identifiers: ClinVar variation 2044989 (VCV002044989.5), dbSNP rs2465365058, ClinGen allele CA913187901.

ClinVar aggregate classification (germline): Pathogenic/Likely pathogenic. Review status: criteria provided, multiple submitters, no conflicts (2 of 4 stars). 2 submissions from 2 submitters: Pathogenic (1); Likely pathogenic (1). Last evaluated 2021-12-17.

Conditions:
Hypobetalipoproteinemia. Identifiers: Orphanet 31154, MedGen C0020597, MONDO:0017774.
Familial hypobetalipoproteinemia 1. Also called: Hypobetalipoproteinemia, normotriglyceridemic; Acanthocytosis with hypobetalipoproteinemia; APOB-Related Familial Hypobetalipoproteinemia. Identifiers: MedGen C4551990, MONDO:0014252, OMIM 615558.
Hypercholesterolemia, autosomal dominant, type B (FHCL2). Also called: Familial hypercholesterolemia 2; Familial Hypercholesterolemia Type B; APOLIPOPROTEIN B-100, FAMILIAL DEFECTIVE; APOLIPOPROTEIN B-100, FAMILIAL LIGAND-DEFECTIVE; HYPERCHOLESTEROLEMIA, FAMILIAL, DUE TO LIGAND-DEFECTIVE APOLIPOPROTEIN B; Hyperlipoproteinemia Type IIb. Identifiers: MedGen C1704417, MONDO:0007751, OMIM 144010.

Submissions (2):

Labcorp Genetics (formerly Invitae), Labcorp
Classification: Pathogenic for Familial hypobetalipoproteinemia 1; Hypercholesterolemia, autosomal dominant, type B. Last evaluated: 2021-12-17. Review status: criteria provided, single submitter. Criteria: Invitae Variant Classification Sherloc (09022015). Collection method: clinical testing. Allele origin: germline.
Comment: This sequence change creates a premature translational stop signal (p.Leu2914Glufs*25) in the APOB gene. It is expected to result in an absent or disrupted protein product. Loss-of-function variants in APOB are known to be pathogenic (PMID: 20032471). For these reasons, this variant has been classified as Pathogenic. This variant has not been reported in the literature in individuals affected with APOB-related conditions. This variant is not present in population databases (gnomAD no frequency).

Laboratory for Molecular Medicine, Mass General Brigham Personalized Medicine
Classification: Likely pathogenic for Hypobetalipoproteinemia. Last evaluated: 2015-08-25. Review status: criteria provided, single submitter. Criteria: ACMG Guidelines, 2015. Collection method: clinical testing. Allele origin: germline. Inheritance: Autosomal dominant inheritance.
Comment: The p.Leu2914fs variant in APOB has not been previously reported in individuals with hypobetalipoproteinemia or in large population studies, though the ability of these studies to accurately detect indels may be limited. This frameshift variant is predicted to alter the protein’s amino acid sequence beginning at position 2914 and lead to a premature termination codon 25 amino acids downstream. This alteration is then predicted to lead to a truncated or absent protein. Heterozygous loss of function of the APOB gene is associated with familial hypobetalipoproteinemia (Welty 2014, Burnett 2015). In summary, although additional studies are required to fully establish its clinical significance, the p.Leu2914fs variant is likely pathogenic.

Literature cited by the submitters: PubMed 20032471 (cited by Labcorp Genetics (formerly Invitae), Labcorp); PubMed 24751931 (cited by Laboratory for Molecular Medicine, Mass General Brigham Personalized Medicine); PubMed 25335495 (cited by Laboratory for Molecular Medicine, Mass General Brigham Personalized Medicine).